The following is an entry in ClinVar:

ClinVar aggregate classification (germline): Uncertain significance (1 of 4 stars; one submission).

Conditions:
Hyperaldosteronism, familial, type IV (HALD4). Also called: FH IV; ALDOSTERONISM, PRIMARY, AND HYPERTENSION. Identifiers: Orphanet 642671, MedGen C4310756, MONDO:0014875, OMIM 617027.
Idiopathic generalized epilepsy. Also called: EIG; Generalised epilepsy. Identifiers: MedGen C0270850, MONDO:0005579, OMIM 600669.

Submission:

Labcorp Genetics (formerly Invitae), Labcorp
Classification: Uncertain significance for Idiopathic generalized epilepsy; Hyperaldosteronism, familial, type IV. Last evaluated: 2025-03-10. Review status: criteria provided, single submitter. Criteria: Invitae Variant Classification Sherloc (09022015). Collection method: clinical testing. Allele origin: germline.
Comment: This sequence change creates a premature translational stop signal (p.Ser1587Lysfs*55) in the CACNA1H gene. It is expected to result in an absent or disrupted protein product. However, the current clinical and genetic evidence is not sufficient to establish whether loss-of-function variants in CACNA1H cause disease. This variant is not present in population databases (gnomAD no frequency). This variant has not been reported in the literature in individuals affected with CACNA1H-related conditions. In summary, the available evidence is currently insufficient to determine the role of this variant in disease. Therefore, it has been classified as a Variant of Uncertain Significance.

NM_021098.3(CACNA1H):c.4756_4759dup (p.Ser1587fs)

Gene: CACNA1H (calcium voltage-gated channel subunit alpha1 H; plus strand). Cytogenetic location: 16p13.3.
Variant type: Duplication.
Coding change: c.4756_4759dup on transcript NM_021098.3 (MANE Select); coding-DNA positions 4756 to 4759, 4 bases duplicated (AGGA; older notation c.4756_4759dupAGGA).
Protein change: p.Ser1587fs; shifts the reading frame from serine 1587.
Molecular consequence: frameshift variant.
Genome position (GRCh38, 1-based): chr16:1,212,135-1,212,138, AGGA duplicated. VCF-style (leftmost placement, unchanged base first): chr16-1212134-C-CAGGA. GRCh37 (hg19) VCF-style: chr16-1262134-C-CAGGA.
Other names: c.4756_4759dup, p.Ala1588fs (NM_001005407.2); short protein forms A1588fs, S1587fs.
Identifiers: ClinVar variation 4784397 (VCV004784397.1).